The following is an entry in ClinVar:

NM_016120.4(RLIM):c.968T>G (p.Leu323Arg)

Gene: RLIM (ring finger protein, LIM domain interacting; minus strand). Cytogenetic location: Xq13.2.
Variant type: single nucleotide variant.
Coding change: c.968T>G on transcript NM_016120.4 (MANE Select); coding-DNA position 968, T replaced by G.
Protein change: p.Leu323Arg; replaces leucine 323 with arginine.
Molecular consequence: missense variant.
Genome position (GRCh38, 1-based): chrX:74,592,347, A>C on the plus strand (T>G on the coding strand, the complement: RLIM is on the minus strand). VCF-style: chrX-74592347-A-C. GRCh37 (hg19) VCF-style: chrX-73812182-A-C.
Other names: c.968T>G, p.Leu323Arg (NM_183353.3); short protein forms L323R.
Identifiers: ClinVar variation 4681009 (VCV004681009.1).

ClinVar aggregate classification (germline): Uncertain significance (1 of 4 stars; one submission).

Submission:

GeneDx
Classification: Uncertain significance. Last evaluated: 2025-07-01. Review status: criteria provided, single submitter. Criteria: GeneDx Variant Classification Process June 2021. Collection method: clinical testing. Allele origin: germline. Affected: yes.
Comment: Not observed at significant frequency in large population cohorts (gnomAD); In silico analysis supports that this missense variant has a deleterious effect on protein structure/function; Has not been previously published as pathogenic or benign to our knowledge